The following is an entry in ClinVar:

NM_001875.5(CPS1):c.927C>G (p.Tyr309Ter)

Gene: CPS1 (carbamoyl-phosphate synthase 1; plus strand). Cytogenetic location: 2q34.
Variant type: single nucleotide variant.
Coding change: c.927C>G on transcript NM_001875.5 (MANE Select); coding-DNA position 927, C replaced by G.
Protein change: p.Tyr309Ter; replaces tyrosine 309 with a stop codon.
Molecular consequence: nonsense. On other transcripts: non-coding transcript variant (1).
Genome position (GRCh38, 1-based): chr2:210,590,886, C>G. VCF-style: chr2-210590886-C-G. GRCh37 (hg19) VCF-style: chr2-211455610-C-G.
Other names: c.927C>G, p.Tyr309Ter (NM_001122633.3, NM_001369257.1); c.960C>G, p.Tyr320Ter (NM_001369256.1); short protein forms Y309*, Y320*.
Identifiers: ClinVar variation 2023561 (VCV002023561.4), dbSNP rs1553511083, ClinGen allele CA350430324.

ClinVar aggregate classification (germline): Pathogenic (1 of 4 stars; one submission).

Conditions:
Congenital hyperammonemia, type I. Also called: Carbamoyl phosphate synthetase I deficiency disease; Carbamoyl-phosphate synthase I deficiency; CPS I DEFICIENCY; Carbamoyl phosphate synthetase 1 deficiency; Hyperammonemia due to carbamoyl phosphate synthetase 1 deficiency; CPS 1 deficiency. Identifiers: Orphanet 147, MedGen C4082171, MONDO:0009376, OMIM 237300.

Submission:

Labcorp Genetics (formerly Invitae), Labcorp
Classification: Pathogenic for Congenital hyperammonemia, type I. Last evaluated: 2022-08-11. Review status: criteria provided, single submitter. Criteria: Invitae Variant Classification Sherloc (09022015). Collection method: clinical testing. Allele origin: germline.
Comment: For these reasons, this variant has been classified as Pathogenic. This variant has not been reported in the literature in individuals affected with CPS1-related conditions. This variant is not present in population databases (gnomAD no frequency). This sequence change creates a premature translational stop signal (p.Tyr309*) in the CPS1 gene. It is expected to result in an absent or disrupted protein product. Loss-of-function variants in CPS1 are known to be pathogenic (PMID: 21120950).

Literature cited by the submitters: PubMed 21120950.